The following is an entry in ClinVar:

NM_000093.5(COL5A1):c.1679C>T (p.Pro560Leu)

Gene: COL5A1 (collagen type V alpha 1 chain; plus strand). Cytogenetic location: 9q34.3.
Variant type: single nucleotide variant.
Coding change: c.1679C>T on transcript NM_000093.5 (MANE Select); coding-DNA position 1679, C replaced by T.
Protein change: p.Pro560Leu; replaces proline 560 with leucine.
Molecular consequence: missense variant.
Genome position (GRCh38, 1-based): chr9:134,752,605, C>T. VCF-style: chr9-134752605-C-T. GRCh37 (hg19) VCF-style: chr9-137644451-C-T.
Other names: c.1679C>T, p.Pro560Leu (NM_001278074.1); short protein forms P560L.
Identifiers: ClinVar variation 4869245 (VCV004869245.1).
Genomic context (GRCh38, chr9:134,752,605, plus strand): 5'-TGCTGCTGGGGCCCTGTCTCAGCGTGTCTCACTTTCCTTTGCAGTTGGCACTGAGGGGAC[C>T]AGCTGGCCCGATGGGTCTCACAGGGAGACCTGGCCCTGTGGTAAGTCATTGGCAAATCTG-3'
Protein context (NP_000084.3, residues 550-570): LQQARLALRG[Pro560Leu]AGPMGLTGRP

ClinVar aggregate classification (germline): Uncertain significance (1 of 4 stars; one submission).

Conditions:
Familial thoracic aortic aneurysm and aortic dissection (TAAD). Also called: Thoracic aortic aneurysms and dissections. Identifiers: Orphanet 91387, MedGen C4707243, MONDO:0019625.

Submission:

Ambry Genetics
Classification: Uncertain significance for Familial thoracic aortic aneurysm and aortic dissection. Last evaluated: 2026-05-03. Review status: criteria provided, single submitter. Criteria: Ambry Variant Classification Scheme 2023. Collection method: clinical testing. Allele origin: germline.
Comment: The p.P560L variant (also known as c.1679C>T), located in coding exon 14 of the COL5A1 gene, results from a C to T substitution at nucleotide position 1679. The proline at codon 560 is replaced by leucine, an amino acid with similar properties. This amino acid position is conserved. In addition, this alteration is predicted to be deleterious by in silico analysis. Based on the available evidence, the clinical significance of this variant remains unclear.